The following is an entry in ClinVar:

NM_000038.6(APC):c.729+4A>G

Gene: APC (APC regulator of Wnt signaling pathway; plus strand). Cytogenetic location: 5q22.2.
Variant type: single nucleotide variant.
Coding change: c.729+4A>G on transcript NM_000038.6 (MANE Select); 4 bases into the intron after coding-DNA position 729, A replaced by G.
Molecular consequence: intron variant.
Genome position (GRCh38, 1-based): chr5:112,792,533, A>G. VCF-style: chr5-112792533-A-G. GRCh37 (hg19) VCF-style: chr5-112128230-A-G.
Other names: c.729+4A>G (NM_001354895.2, NM_001127510.3, NM_001354896.2 and 1 more transcripts); c.759+4A>G (NM_001354897.2, NM_001354902.2); c.676-8746A>G (NM_001127511.3); c.654+4A>G (NM_001354898.2, NM_001354904.2); c.-307+4A>G (NM_001354906.2); c.646-8746A>G (NM_001354899.2); c.552+4A>G (NM_001354900.2, NM_001354901.2, NM_001354905.2).
Identifiers: ClinVar variation 428097 (VCV000428097.15), dbSNP rs1114167548, ClinGen allele CA645369318.
Genomic context (GRCh38, chr5:112,792,533, plus strand): 5'-GAAAAGGACATACTTCGTATACGACAGCTTTTACAGTCCCAAGCAACAGAAGCAGAGGTT[A>G]GTAAATTGCCTTTCTTGTTTGTGGGTATAAAAATAGGTAGTTATTCTGAGAAAAGAAAAC-3'

ClinVar aggregate classification (germline): Uncertain significance. Review status: criteria provided, multiple submitters, no conflicts (2 of 4 stars). 3 submissions from 3 submitters: Uncertain significance (3). Last evaluated 2025-11-07.

Conditions:
APC-related disorder. Also called: APC-related condition.
Hereditary cancer-predisposing syndrome. Also called: Hereditary Cancer Syndrome; Tumor predisposition; Hereditary neoplastic syndrome; Neoplastic Syndromes, Hereditary. Identifiers: Orphanet 140162, MedGen C0027672, MeSH D009386, MONDO:0015356.
Familial adenomatous polyposis 1 (FAP1). Also called: FAMILIAL ADENOMATOUS POLYPOSIS 1, ATTENUATED; POLYPOSIS, ADENOMATOUS INTESTINAL. Identifiers: MedGen C2713442, MONDO:0021056, OMIM 175100. Disease mechanism: loss of function.

Submissions (3):

PreventionGenetics, part of Exact Sciences
Classification: Uncertain significance for APC-related condition. Last evaluated: 2025-11-07. Review status: criteria provided, single submitter. Criteria: ACMG Guidelines, 2015. Collection method: clinical testing. Allele origin: germline.
Comment: The APC c.729+4A>G variant is predicted to interfere with splicing. To our knowledge, this variant has not been reported in the literature or in a large population database (gnomAD), indicating this variant is rare. This variant has an interpretation of uncertain significance in ClinVar (Variation ID: 428097). At this time, the clinical significance of this variant is uncertain due to the absence of conclusive functional and genetic evidence.

Ambry Genetics
Classification: Uncertain significance for Hereditary cancer-predisposing syndrome. Last evaluated: 2025-08-21. Review status: criteria provided, single submitter. Criteria: Ambry Variant Classification Scheme 2023. Collection method: clinical testing. Allele origin: germline.
Comment: The c.729+4A>G intronic variant results from an A to G substitution 4 nucleotides after coding exon 6 in the APC gene. This nucleotide position is well conserved in available vertebrate species. In silico splice site analysis predicts that this alteration will not have any significant effect on splicing. Since supporting evidence is limited at this time, the clinical significance of this alteration remains unclear.

Labcorp Genetics (formerly Invitae), Labcorp
Classification: Uncertain significance for Familial adenomatous polyposis 1. Last evaluated: 2018-10-20. Review status: criteria provided, single submitter. Criteria: Invitae Variant Classification Sherloc (09022015). Collection method: clinical testing. Allele origin: germline.
Comment: This sequence change falls in intron 7 of the APC gene. It does not directly change the encoded amino acid sequence of the APC protein, but it affects a nucleotide within the consensus splice site of the intron. In summary, the available evidence is currently insufficient to determine the role of this variant in disease. Therefore, it has been classified as a Variant of Uncertain Significance. Nucleotide substitutions within the consensus splice site are a relatively common cause of aberrant splicing (PMID: 17576681, 9536098). Algorithms developed to predict the effect of sequence changes on RNA splicing suggest that this variant is not likely to affect RNA splicing, but this prediction has not been confirmed by published transcriptional studies. This variant has not been reported in the literature in individuals with APC-related disease. ClinVar contains an entry for this variant (Variation ID: 428097). This variant is not present in population databases (ExAC no frequency).

Literature cited by the submitters: PubMed 17576681 (cited by Labcorp Genetics (formerly Invitae), Labcorp); PubMed 9536098 (cited by Labcorp Genetics (formerly Invitae), Labcorp).